The following is an entry in ClinVar:

NM_005188.4(CBL):c.1167G>T (p.Lys389Asn)

Gene: CBL (Cbl proto-oncogene; plus strand). Cytogenetic location: 11q23.3.
Variant type: single nucleotide variant.
Coding change: c.1167G>T on transcript NM_005188.4 (MANE Select); coding-DNA position 1167, G replaced by T.
Protein change: p.Lys389Asn; replaces lysine 389 with asparagine.
Molecular consequence: missense variant.
Genome position (GRCh38, 1-based): chr11:119,278,237, G>T. VCF-style: chr11-119278237-G-T. GRCh37 (hg19) VCF-style: chr11-119148947-G-T.
Other names: short protein forms K389N.
Identifiers: ClinVar variation 569165 (VCV000569165.10), dbSNP rs773598122, ClinGen allele CA382912654.

ClinVar aggregate classification (germline): Uncertain significance (1 of 4 stars; one submission).

Conditions:
RASopathy. Also called: rasopathies; Noonan spectrum disorder. Identifiers: Orphanet 536391, MedGen C5555857, MONDO:0021060.

Submission:

Labcorp Genetics (formerly Invitae), Labcorp
Classification: Uncertain significance for RASopathy. Last evaluated: 2022-04-08. Review status: criteria provided, single submitter. Criteria: Invitae Variant Classification Sherloc (09022015). Collection method: clinical testing. Allele origin: germline.
Comment: In summary, the available evidence is currently insufficient to determine the role of this variant in disease. Therefore, it has been classified as a Variant of Uncertain Significance. Advanced modeling of protein sequence and biophysical properties (such as structural, functional, and spatial information, amino acid conservation, physicochemical variation, residue mobility, and thermodynamic stability) performed at Invitae indicates that this missense variant is expected to disrupt CBL protein function. ClinVar contains an entry for this variant (Variation ID: 569165). This variant has not been reported in the literature in individuals affected with CBL-related conditions. This variant is not present in population databases (gnomAD no frequency). This sequence change replaces lysine, which is basic and polar, with asparagine, which is neutral and polar, at codon 389 of the CBL protein (p.Lys389Asn).